The following is an entry in ClinVar:

ClinVar aggregate classification (germline): Uncertain significance (1 of 4 stars; one submission).

Conditions:
Familial sleep-related hypermotor epilepsy. Also called: Autosomal Dominant Sleep-Related Hypermotor (Hyperkinetic) Epilepsy. Identifiers: Orphanet 98784, MedGen C3696898, MONDO:0000030.

Submission:

Labcorp Genetics (formerly Invitae), Labcorp
Classification: Uncertain significance. Last evaluated: 2023-12-25. Review status: criteria provided, single submitter. Criteria: Invitae Variant Classification Sherloc (09022015). Collection method: clinical testing. Allele origin: germline.
Comment: This variant, c.686_694del, results in the deletion of 3 amino acid(s) of the CHRNA2 protein (p.Gly229_Trp231del), but otherwise preserves the integrity of the reading frame. This variant is not present in population databases (gnomAD no frequency). This variant has not been reported in the literature in individuals affected with CHRNA2-related conditions. Experimental studies and prediction algorithms are not available or were not evaluated, and the functional significance of this variant is currently unknown. In summary, the available evidence is currently insufficient to determine the role of this variant in disease. Therefore, it has been classified as a Variant of Uncertain Significance.

NM_000742.4(CHRNA2):c.686_694del (p.Gly229_Trp231del)

Gene: CHRNA2 (cholinergic receptor nicotinic alpha 2 subunit; minus strand). Cytogenetic location: 8p21.2.
Variant type: Deletion.
Coding change: c.686_694del on transcript NM_000742.4 (MANE Select); coding-DNA positions 686 to 694, 9 bases deleted (GCGAGTGGG; older notation c.686_694delGCGAGTGGG).
Protein change: p.Gly229_Trp231del.
Molecular consequence: inframe deletion.
Genome position (GRCh38, 1-based): chr8:27,463,749-27,463,757, CCCACTCGC deleted on the plus strand (GCGAGTGGG on the coding strand, the reverse complement: CHRNA2 is on the minus strand); deleting any 9 consecutive bases within chr8:27,463,749-27,463,758 gives the same sequence; the c. name uses the placement nearest the transcript's 3' end. VCF-style (leftmost placement, unchanged base first): chr8-27463748-GCCCACTCGC-G. GRCh37 (hg19) VCF-style: chr8-27321265-GCCCACTCGC-G.
Other names: c.641_649del, p.Gly214_Trp216del (NM_001282455.2); c.209_217del, p.Gly70_Trp72del (NM_001347705.2, NM_001347706.2); c.92_100del, p.Gly31_Trp33del (NM_001347707.2, NM_001347708.2).
Identifiers: ClinVar variation 2698009 (VCV002698009.3), dbSNP rs2490541483, ClinGen allele CA2686678237.